The following is an entry in ClinVar:

NM_014159.7(SETD2):c.4060G>A (p.Asp1354Asn)

Gene: SETD2 (SET domain containing 2, histone lysine methyltransferase; minus strand). Cytogenetic location: 3p21.31.
Variant type: single nucleotide variant.
Coding change: c.4060G>A on transcript NM_014159.7 (MANE Select); coding-DNA position 4060, G replaced by A.
Protein change: p.Asp1354Asn; replaces aspartic acid 1354 with asparagine.
Molecular consequence: missense variant. On other transcripts: non-coding transcript variant (1).
Genome position (GRCh38, 1-based): chr3:47,120,576, C>T on the plus strand (G>A on the coding strand, the complement: SETD2 is on the minus strand). VCF-style: chr3-47120576-C-T. GRCh37 (hg19) VCF-style: chr3-47162066-C-T.
Other names: c.3928G>A, p.Asp1310Asn (NM_001349370.3); short protein forms D1310N, D1354N.
Identifiers: ClinVar variation 1138298 (VCV001138298.12), dbSNP rs138005965, ClinGen allele CA2363264.
Genomic context (GRCh38, chr3:47,120,576, plus strand): 5'-TGCTTATTTCAGGTGCTTGCACTGACCCCTTGTCTTTCTGAAGGGATAGAAGAAATTTAT[C>T]GGACTGGTCTGAAAAATGGGATCCATCCTGTTGATCCCAATTCTCCTCTTCTTCACGATC-3'
Protein context (NP_054878.5, residues 1344-1364): QDGSHFSDQS[Asp1354Asn]KFLLSLQKDK

ClinVar aggregate classification (germline): Benign/Likely benign. Review status: criteria provided, multiple submitters, no conflicts (2 of 4 stars). 4 submissions from 4 submitters: Benign (2); Likely benign (1). 1 of the submissions does not count toward it. Last evaluated 2025-07-21.

Conditions:
Luscan-Lumish syndrome. Identifiers: Orphanet 597738, MedGen C4085873, MONDO:0014791, OMIM 616831.
SETD2-related disorder.

Allele frequency attached by ClinVar (database versions not stated): ESP Exome Variant Server 0.00046; gnomAD exomes 0.00009 and 0.00008; TOPMed 0.00040; ExAC 0.00004; gnomAD 0.00031.

Submissions (4):

Labcorp Genetics (formerly Invitae), Labcorp
Classification: Likely benign for Luscan-Lumish syndrome. Last evaluated: 2025-07-21. Review status: criteria provided, single submitter. Criteria: Invitae Variant Classification Sherloc (09022015). Collection method: clinical testing. Allele origin: germline.

Genome-Nilou Lab
Classification: Benign for Luscan-Lumish syndrome. Last evaluated: 2022-03-15. Review status: criteria provided, single submitter. Criteria: ACMG Guidelines, 2015. Collection method: clinical testing. Allele origin: germline. Affected: no.

GeneDx
Classification: Benign. Last evaluated: 2021-05-26. Review status: criteria provided, single submitter. Criteria: GeneDx Variant Classification Process June 2021. Collection method: clinical testing. Allele origin: germline. Affected: yes.

PreventionGenetics, part of Exact Sciences
Classification: Likely benign for SETD2-related condition. Last evaluated: 2024-01-21. Review status: no assertion criteria provided. Collection method: clinical testing. Allele origin: germline. Not counted in ClinVar's aggregate classification.
Comment: This variant is classified as likely benign based on ACMG/AMP sequence variant interpretation guidelines (Richards et al. 2015 PMID: 25741868, with internal and published modifications).